The following is an entry in ClinVar:

ClinVar aggregate classification (germline): Conflicting classifications of pathogenicity. Review status: criteria provided, conflicting classifications (1 of 4 stars). 3 submissions from 3 submitters: Likely pathogenic (2); Uncertain significance (1). Last evaluated 2024-06-22.

Conditions:
Short stature-optic atrophy-Pelger-Huët anomaly syndrome. Also called: Short stature, optic nerve atrophy, and Pelger-Huet anomaly; Short stature-optic atrophy-Pelger-HuC+t anomaly syndrome. Identifiers: Orphanet 391677, MedGen C3541319, MONDO:0013889, OMIM 614800.
Infantile liver failure syndrome 2 (ILFS2). Identifiers: MedGen C3809651, MONDO:0014659, OMIM 616483.

Allele frequency attached by ClinVar (database versions not stated): gnomAD exomes 0.00001; ExAC 0.00002.
gnomAD v4.1: 13 of 1,614,212 alleles (0.00081%); highest among the groups gnomAD compares: South Asian, 0.014%; no homozygotes.

Submissions (3):

Fulgent Genetics
Classification: Likely pathogenic for Short stature-optic atrophy-Pelger-Huët anomaly syndrome; Infantile liver failure syndrome 2. Last evaluated: 2024-06-22. Review status: criteria provided, single submitter. Criteria: ACMG Guidelines, 2015. Collection method: clinical testing. Allele origin: germline.

GeneDx
Classification: Likely pathogenic. Last evaluated: 2022-05-26. Review status: criteria provided, single submitter. Criteria: GeneDx Variant Classification Process June 2021. Collection method: clinical testing. Allele origin: germline. Affected: yes.
Comment: Published functional studies demonstrate a damaging effect (support aberrant splicing effect with a truncated protein product with abnormal function) (Palagano et al., 2018); In silico analysis supports a deleterious effect on splicing; This variant is associated with the following publications: (PMID: 29929043)

Neuberg Centre For Genomic Medicine, NCGM
Classification: Uncertain significance for Short stature-optic atrophy-Pelger-Huët anomaly syndrome. Review status: criteria provided, single submitter. Criteria: ACMG Guidelines, 2015. Collection method: clinical testing. Allele origin: germline. Inheritance: Autosomal recessive inheritance. Affected: yes.
Comment: The splice site c.6237-3C>G variant in NBAS gene has not been reported previously as a pathogenic variant nor as a benign variant, to our knowledge. The variant is reported with the allele frequency of 0.001999% in gnomAD database and is novel (not in any individuals) in 1000 Genomes. The amino acid change c.6237-3C>G in NBAS is predicted to be damaging by splice site tool. For these reasons, this variant has been classified as uncertain significance.

NM_015909.4(NBAS):c.6237-3C>G

Gene: NBAS (NBAS subunit of NRZ tethering complex; minus strand). Cytogenetic location: 2p24.3.
Variant type: single nucleotide variant.
Coding change: c.6237-3C>G on transcript NM_015909.4 (MANE Select); 3 bases into the intron before coding-DNA position 6237, C replaced by G.
Molecular consequence: intron variant.
Genome position (GRCh38, 1-based): chr2:15,218,971, G>C on the plus strand (C>G on the coding strand, the complement: NBAS is on the minus strand). VCF-style: chr2-15218971-G-C. GRCh37 (hg19) VCF-style: chr2-15359095-G-C.
Identifiers: ClinVar variation 1800864 (VCV001800864.2), dbSNP rs753196209, ClinGen allele CA1535064.